The following is an entry in ClinVar:

NM_002397.5(MEF2C):c.1247C>T (p.Ala416Val)

Genes: MEF2C (myocyte enhancer factor 2C; minus strand), MEF2C-AS2 (MEF2C antisense RNA 2; plus strand). Cytogenetic location: 5q14.3.
Variant type: single nucleotide variant.
Coding change: c.1247C>T on transcript NM_002397.5 (MANE Select); coding-DNA position 1247, C replaced by T.
Protein change: p.Ala416Val; replaces alanine 416 with valine.
Molecular consequence: missense variant. On other transcripts: synonymous variant (9), non-coding transcript variant (1).
Genome position (GRCh38, 1-based): chr5:88,722,779, G>A on the plus strand (C>T on the coding strand, the complement: MEF2C is on the minus strand). VCF-style: chr5-88722779-G-A. GRCh37 (hg19) VCF-style: chr5-88018596-G-A.
Other names: c.1127C>T, p.Ala376Val (NM_001364341.2, NM_001364342.2, NM_001364339.2 and 1 more transcripts); c.1121C>T, p.Ala374Val (NM_001364343.2); c.1103C>T, p.Ala368Val (NM_001364344.2); c.1149C>T, p.Gly383= (NM_001364345.2, NM_001364346.2, NM_001364347.2); c.1125C>T, p.Gly375= (NM_001364348.2, NM_001364349.2, NM_001364350.2); c.1217C>T, p.Ala406Val (NM_001131005.2); c.1277C>T, p.Ala426Val (NM_001193347.1); c.1079C>T, p.Ala360Val (NM_001193348.1); and 10 more; short protein forms A406V, A416V, A384V, A426V, A408V, A234V, A258V, A336V.
Identifiers: ClinVar variation 538815 (VCV000538815.9), dbSNP rs768570497, ClinGen allele CA3337185.

ClinVar aggregate classification (germline): Uncertain significance. Review status: criteria provided, multiple submitters, no conflicts (2 of 4 stars). 2 submissions from 2 submitters: Uncertain significance (2). Last evaluated 2022-07-19.

Conditions:
Neurodevelopmental disorder with hypotonia, stereotypic hand movements, and impaired language. Also called: Intellectual disability, autosomal dominant 20. Identifiers: Orphanet 228384, Orphanet 664410, MedGen C3150700, MONDO:0013266, OMIM 613443.

Allele frequency attached by ClinVar (database versions not stated): gnomAD exomes 0.00001; ExAC 0.00001.

Submissions (2):

Labcorp Genetics (formerly Invitae), Labcorp
Classification: Uncertain significance for Neurodevelopmental disorder with hypotonia, stereotypic hand movements, and impaired language. Last evaluated: 2022-07-19. Review status: criteria provided, single submitter. Criteria: Invitae Variant Classification Sherloc (09022015). Collection method: clinical testing. Allele origin: germline.
Comment: This sequence change replaces alanine, which is neutral and non-polar, with valine, which is neutral and non-polar, at codon 416 of the MEF2C protein (p.Ala416Val). In summary, the available evidence is currently insufficient to determine the role of this variant in disease. Therefore, it has been classified as a Variant of Uncertain Significance. Algorithms developed to predict the effect of sequence changes on RNA splicing suggest that this variant may create or strengthen a splice site. Algorithms developed to predict the effect of missense changes on protein structure and function are either unavailable or do not agree on the potential impact of this missense change (SIFT: "Deleterious"; PolyPhen-2: "Benign"; Align-GVGD: "Class C0"). ClinVar contains an entry for this variant (Variation ID: 538815). This variant has not been reported in the literature in individuals affected with MEF2C-related conditions. This variant is not present in population databases (gnomAD no frequency).

Institute of Human Genetics, University of Leipzig Medical Center
Classification: Uncertain significance for Neurodevelopmental disorder with hypotonia, stereotypic hand movements, and impaired language. Last evaluated: 2018-11-22. Review status: criteria provided, single submitter. Criteria: ACMG Guidelines, 2015. Collection method: clinical testing. Allele origin: germline. Affected: yes. Observed: 1 variant allele.